The following is an entry in ClinVar:

NM_001112741.2(KCNC1):c.611T>C (p.Ile204Thr)

Gene: KCNC1 (potassium voltage-gated channel subfamily C member 1; plus strand). Cytogenetic location: 11p15.1.
Variant type: single nucleotide variant.
Coding change: c.611T>C on transcript NM_001112741.2 (MANE Select); coding-DNA position 611, T replaced by C.
Protein change: p.Ile204Thr; replaces isoleucine 204 with threonine.
Molecular consequence: missense variant.
Genome position (GRCh38, 1-based): chr11:17,771,705, T>C. VCF-style: chr11-17771705-T-C. GRCh37 (hg19) VCF-style: chr11-17793252-T-C.
Other names: c.611T>C, p.Ile204Thr (NM_004976.4); short protein forms I204T.
Identifiers: ClinVar variation 542107 (VCV000542107.9), dbSNP rs1554991304, ClinGen allele CA379805636.
Genomic context (GRCh38, chr11:17,771,705, plus strand): 5'-CTGTGTCTTTATCCCCACAGTATGTGGCCTTCGCTTCCCTCTTCTTCATCCTGGTCTCCA[T>C]CACCACCTTCTGCCTGGAGACCCACGAGCGCTTCAACCCCATCGTGAACAAGACGGAGAT-3'
Protein context (NP_001106212.1, residues 194-214): FASLFFILVS[Ile204Thr]TTFCLETHER

ClinVar aggregate classification (germline): Uncertain significance (1 of 4 stars; one submission).

Conditions:
Progressive myoclonic epilepsy type 7. Identifiers: Orphanet 435438, MedGen C4015420, MONDO:0014521, OMIM 616187.

Submission:

Labcorp Genetics (formerly Invitae), Labcorp
Classification: Uncertain significance for Progressive myoclonic epilepsy type 7. Last evaluated: 2024-12-03. Review status: criteria provided, single submitter. Criteria: Invitae Variant Classification Sherloc (09022015). Collection method: clinical testing. Allele origin: germline.
Comment: This sequence change replaces isoleucine, which is neutral and non-polar, with threonine, which is neutral and polar, at codon 204 of the KCNC1 protein (p.Ile204Thr). This variant is not present in population databases (gnomAD no frequency). This variant has not been reported in the literature in individuals affected with KCNC1-related conditions. ClinVar contains an entry for this variant (Variation ID: 542107). Invitae Evidence Modeling of protein sequence and biophysical properties (such as structural, functional, and spatial information, amino acid conservation, physicochemical variation, residue mobility, and thermodynamic stability) indicates that this missense variant is not expected to disrupt KCNC1 protein function with a negative predictive value of 80%. In summary, the available evidence is currently insufficient to determine the role of this variant in disease. Therefore, it has been classified as a Variant of Uncertain Significance.